The following is an entry in ClinVar:

ClinVar aggregate classification (germline): Likely benign (1 of 4 stars; one submission).

Submission:

CeGaT Center for Human Genetics Tuebingen
Classification: Likely benign. Last evaluated: 2022-12-01. Review status: criteria provided, single submitter. Criteria: CeGaT Center For Human Genetics Tuebingen Variant Classification Criteria Version 2. Collection method: clinical testing. Allele origin: germline. Affected: yes. Observed: 1 variant allele.
Comment: NBEA: PM2:Supporting, BP4, BP7

NM_001385012.1(NBEA):c.7350A>T (p.Gly2450=)

Gene: NBEA (neurobeachin; plus strand). Cytogenetic location: 13q13.3.
Variant type: single nucleotide variant.
Coding change: c.7350A>T on transcript NM_001385012.1 (MANE Select); coding-DNA position 7350, A replaced by T.
Protein change: p.Gly2450=; no amino-acid change (glycine 2450 retained).
Molecular consequence: synonymous variant.
Genome position (GRCh38, 1-based): chr13:35,606,479, A>T. VCF-style: chr13-35606479-A-T. GRCh37 (hg19) VCF-style: chr13-36180616-A-T.
Other names: c.729A>T, p.Gly243= (NM_001204197.3); c.7341A>T, p.Gly2447= (NM_001379245.1); c.7350A>T, p.Gly2450= (NM_015678.5).
Identifiers: ClinVar variation 2643764 (VCV002643764.24), dbSNP rs1411865944, ClinGen allele CA483209706.